The following is an entry in ClinVar:

ClinVar aggregate classification (germline): Likely pathogenic. Review status: criteria provided, multiple submitters, no conflicts (2 of 4 stars). 2 submissions from 2 submitters: Likely pathogenic (2). Last evaluated 2025-10-29.

Conditions:
Nephrogenic diabetes insipidus. Identifiers: Orphanet 223, MedGen C0162283, MONDO:0016383, HP:0009806.

Allele frequency attached by ClinVar (database versions not stated): gnomAD exomes below 0.00001; ExAC 0.00002.
gnomAD v4.1: 3 of 1,611,954 alleles (0.00019%); highest among the groups gnomAD compares: Non-Finnish European, 0.00025%; no homozygotes.

Submissions (2):

Natera, Inc.
Classification: Likely pathogenic for Nephrogenic diabetes insipidus. Last evaluated: 2025-10-29. Review status: criteria provided, single submitter. Criteria: Natera Variant Classification Schema (03/2026). Collection method: clinical testing. Allele origin: germline.
Comment: The c.607-2A>G variant in AQP2 is a canonical splice acceptor site variant predicted to affect pre-mRNA splicing, which may result in an abnormal transcript and altered protein product. This variant may result in a truncated or dysfunctional protein product. This variant is rare in the general population with a frequency below the threshold expected for the associated phenotype(s). Another variant at this same site results in an alteration predicted to cause a similar molecular effect has been observed in individual(s) with the associated phenotype. Given the available evidence, this variant is classified as Likely Pathogenic.

Labcorp Genetics (formerly Invitae), Labcorp
Classification: Likely pathogenic. Last evaluated: 2022-10-28. Review status: criteria provided, single submitter. Criteria: Invitae Variant Classification Sherloc (09022015). Collection method: clinical testing. Allele origin: germline.
Comment: This sequence change affects an acceptor splice site in intron 3 of the AQP2 gene. While this variant is not anticipated to result in nonsense mediated decay, it likely alters RNA splicing and results in a disrupted protein product. This variant is present in population databases (rs755053175, gnomAD 0.002%). Disruption of this splice site has been observed in individual(s) with autosomal recessive nephrogenic diabetes insipidus (PMID: 14599123, 34177810). In at least one individual the data is consistent with being in trans (on the opposite chromosome) from a pathogenic variant. Variants that disrupt the consensus splice site are a relatively common cause of aberrant splicing (PMID: 17576681, 9536098). Algorithms developed to predict the effect of sequence changes on RNA splicing suggest that this variant may disrupt the consensus splice site. In summary, the currently available evidence indicates that the variant is pathogenic, but additional data are needed to prove that conclusively. Therefore, this variant has been classified as Likely Pathogenic.

Literature cited by the submitters: PubMed 14599123 (cited by Labcorp Genetics (formerly Invitae), Labcorp); PubMed 34177810 (cited by Labcorp Genetics (formerly Invitae), Labcorp); PubMed 17576681 (cited by Labcorp Genetics (formerly Invitae), Labcorp); PubMed 9536098 (cited by Labcorp Genetics (formerly Invitae), Labcorp).

NM_000486.6(AQP2):c.607-2A>G

Genes: AQP2 (aquaporin 2; plus strand), AQP5-AS1 (AQP5 and AQP2 antisense RNA 2; minus strand). Cytogenetic location: 12q13.12.
Variant type: single nucleotide variant.
Coding change: c.607-2A>G on transcript NM_000486.6 (MANE Select); the canonical splice acceptor site of the intron before coding-DNA position 607, A replaced by G.
Molecular consequence: splice acceptor variant.
Genome position (GRCh38, 1-based): chr12:49,955,397, A>G. VCF-style: chr12-49955397-A-G. GRCh37 (hg19) VCF-style: chr12-50349180-A-G.
Other names: c.607-2A>G (NM_000486.5).
Identifiers: ClinVar variation 2137363 (VCV002137363.6), dbSNP rs755053175, ClinGen allele CA6559326.
Genomic context (GRCh38, chr12:49,955,397, plus strand): 5'-CTGCGGGCTCCGCGTGCCGGTGCCGGCGCGGGTGCCAAGCCGCCCTCTCCGCTCGCCCCC[A>G]GGTCTTCTGGATCGGACCCCTGGTGGGCGCCATCCTGGGCTCCCTCCTCTACAACTACGT-3'